The following is an entry in ClinVar:

ClinVar aggregate classification (germline): Uncertain significance (1 of 4 stars; one submission).

Conditions:
Jeune thoracic dystrophy. Also called: Jeune syndrome; Infantile thoracic dystrophy; Thoracic pelvic phalangeal dystrophy; Jeune's syndrome; Chondroectodermal dysplasia-like syndrome; Short-rib thoracic dysplasia. Identifiers: Orphanet 474, MedGen C0265275, MONDO:0018770.

Allele frequency attached by ClinVar (database versions not stated): gnomAD exomes below 0.00001; TOPMed below 0.00001.
gnomAD v4.1: 6 of 1,590,414 alleles (0.00038%); highest among the groups gnomAD compares: South Asian, 0.0069%; no homozygotes.

Submission:

Labcorp Genetics (formerly Invitae), Labcorp
Classification: Uncertain significance for Jeune thoracic dystrophy. Last evaluated: 2021-09-01. Review status: criteria provided, single submitter. Criteria: Invitae Variant Classification Sherloc (09022015). Collection method: clinical testing. Allele origin: germline.
Comment: This sequence change replaces valine with alanine at codon 3309 of the DYNC2H1 protein (p.Val3309Ala). The valine residue is highly conserved and there is a small physicochemical difference between valine and alanine. This variant is not present in population databases (ExAC no frequency). This variant has not been reported in the literature in individuals affected with DYNC2H1-related conditions. Advanced modeling of protein sequence and biophysical properties (such as structural, functional, and spatial information, amino acid conservation, physicochemical variation, residue mobility, and thermodynamic stability) performed at Invitae indicates that this missense variant is not expected to disrupt DYNC2H1 protein function. In summary, the available evidence is currently insufficient to determine the role of this variant in disease. Therefore, it has been classified as a Variant of Uncertain Significance.

NM_001377.3(DYNC2H1):c.9905T>C (p.Val3302Ala)

Gene: DYNC2H1 (dynein cytoplasmic 2 heavy chain 1; plus strand). Cytogenetic location: 11q22.3.
Variant type: single nucleotide variant.
Coding change: c.9905T>C on transcript NM_001377.3 (MANE Select); coding-DNA position 9905, T replaced by C.
Protein change: p.Val3302Ala; replaces valine 3302 with alanine.
Molecular consequence: missense variant.
Genome position (GRCh38, 1-based): chr11:103,243,778, T>C. VCF-style: chr11-103243778-T-C. GRCh37 (hg19) VCF-style: chr11-103114507-T-C.
Other names: c.9926T>C, p.Val3309Ala (NM_001080463.2); short protein forms V3302A, V3309A.
Identifiers: ClinVar variation 1428575 (VCV001428575.5), dbSNP rs1365232282, ClinGen allele CA382245483.